The following is an entry in ClinVar:

NM_177438.3(DICER1):c.3779dup (p.Met1261fs)

Gene: DICER1 (dicer 1, ribonuclease III; minus strand). Cytogenetic location: 14q32.13.
Variant type: Duplication.
Coding change: c.3779dup on transcript NM_177438.3 (MANE Select); coding-DNA position 3779, one base duplicated (T; older notation c.3779dupT).
Protein change: p.Met1261fs; shifts the reading frame from methionine 1261.
Molecular consequence: frameshift variant. On other transcripts: non-coding transcript variant (6).
Genome position (GRCh38, 1-based): chr14:95,103,617, A duplicated on the plus strand (T on the coding strand, the reverse complement: DICER1 is on the minus strand). VCF-style (leftmost placement, unchanged base first): chr14-95103616-T-TA. GRCh37 (hg19) VCF-style: chr14-95569953-T-TA.
Other names: c.3779dup, p.Met1261fs (NM_001195573.1, NM_001271282.3, NM_001291628.2 and 12 more transcripts); c.3497dup, p.Met1167fs (NM_001395686.1); c.3374dup, p.Met1126fs (NM_001395687.1, NM_001395688.1, NM_001395689.1 and 2 more transcripts); c.3212dup, p.Met1072fs (NM_001395691.1); c.2096dup, p.Met700fs (NM_001395697.1); short protein forms M1072fs, M1261fs, M1167fs, M700fs, M1126fs.
Identifiers: ClinVar variation 3664441 (VCV003664441.2).

ClinVar aggregate classification (germline): Pathogenic (1 of 4 stars; one submission).

Conditions:
DICER1-related tumor predisposition. Also called: DICER1-related pleuropulmonary blastoma cancer predisposition syndrome; DICER1 syndrome. Identifiers: Orphanet 284343, MedGen C3839822, MONDO:0100216.

Submission:

Labcorp Genetics (formerly Invitae), Labcorp
Classification: Pathogenic for DICER1-related tumor predisposition. Last evaluated: 2024-09-03. Review status: criteria provided, single submitter. Criteria: Invitae Variant Classification Sherloc (09022015). Collection method: clinical testing. Allele origin: germline.
Comment: This sequence change creates a premature translational stop signal (p.Met1261Asnfs*18) in the DICER1 gene. It is expected to result in an absent or disrupted protein product. Loss-of-function variants in DICER1 are known to be pathogenic (PMID: 19556464, 21266384). This variant is not present in population databases (gnomAD no frequency). This variant has not been reported in the literature in individuals affected with DICER1-related conditions. For these reasons, this variant has been classified as Pathogenic.

Literature cited by the submitters: PubMed 19556464; PubMed 21266384.